The following is an entry in ClinVar:

ClinVar aggregate classification (germline): Uncertain significance (1 of 4 stars; one submission).

Submission:

Ambry Genetics
Classification: Uncertain significance. Last evaluated: 2024-04-11. Review status: criteria provided, single submitter. Criteria: Ambry Variant Classification Scheme 2023. Collection method: clinical testing. Allele origin: germline.
Comment: The p.E728G variant (also known as c.2183A>G), located in coding exon 11 of the PALLD gene, results from an A to G substitution at nucleotide position 2183. The glutamic acid at codon 728 is replaced by glycine, an amino acid with similar properties. This amino acid position is conserved. In addition, the in silico prediction for this alteration is inconclusive. Based on the available evidence, the clinical significance of this variant remains unclear.

NM_001166108.2(PALLD):c.2183A>G (p.Glu728Gly)

Genes: CBR4 (carbonyl reductase 4; minus strand), PALLD (palladin, cytoskeletal associated protein; plus strand). Cytogenetic location: 4q32.3.
Variant type: single nucleotide variant.
Coding change: c.2183A>G on transcript NM_001166108.2 (MANE Select); coding-DNA position 2183, A replaced by G.
Protein change: p.Glu728Gly; replaces glutamic acid 728 with glycine.
Molecular consequence: missense variant.
Genome position (GRCh38, 1-based): chr4:168,894,661, A>G. VCF-style: chr4-168894661-A-G. GRCh37 (hg19) VCF-style: chr4-169815812-A-G.
Other names: c.1037A>G, p.Glu346Gly (NM_001166109.2); c.722A>G, p.Glu241Gly (NM_001166110.2); c.62A>G, p.Glu21Gly (NM_001367567.1, NM_001367568.1, NM_001367569.1 and 1 more transcripts); c.2183A>G, p.Glu728Gly (NM_016081.4); short protein forms E21G, E728G, E241G, E346G.
Identifiers: ClinVar variation 3304059 (VCV003304059.1).